The following is an entry in ClinVar:

ClinVar aggregate classification (germline): Likely pathogenic (1 of 4 stars; one submission).

Conditions:
Hereditary spastic paraplegia 11. Also called: Nakamura Osame syndrome; Autosomal recessive hereditary spastic paraplegia, mental impairment, and thin corpus callosum; SPASTIC PARAPLEGIA, AUTOSOMAL RECESSIVE, COMPLICATED, WITH THIN CORPUS CALLOSUM; SPASTIC PARAPLEGIA, AUTOSOMAL RECESSIVE, WITH MENTAL IMPAIRMENT AND THIN CORPUS CALLOSUM; Spastic Paraplegia 11; Spastic paraplegia, mental retardation and thin corpus callosum. Identifiers: Orphanet 2822, MedGen C1858479, MONDO:0011445, OMIM 604360.

Allele frequency attached by ClinVar (database versions not stated): TOPMed 0.00001.

Submission:

Labcorp Genetics (formerly Invitae), Labcorp
Classification: Likely pathogenic for Hereditary spastic paraplegia 11. Last evaluated: 2022-12-16. Review status: criteria provided, single submitter. Criteria: Invitae Variant Classification Sherloc (09022015). Collection method: clinical testing. Allele origin: germline.
Comment: This variant is not present in population databases (gnomAD no frequency). This sequence change affects an acceptor splice site in intron 34 of the SPG11 gene. It is expected to disrupt RNA splicing. Variants that disrupt the donor or acceptor splice site typically lead to a loss of protein function (PMID: 16199547), and loss-of-function variants in SPG11 are known to be pathogenic (PMID: 19105190, 20110243, 22154821, 26556829). This variant has not been reported in the literature in individuals affected with SPG11-related conditions. Algorithms developed to predict the effect of sequence changes on RNA splicing suggest that this variant may disrupt the consensus splice site. In summary, the currently available evidence indicates that the variant is pathogenic, but additional data are needed to prove that conclusively. Therefore, this variant has been classified as Likely Pathogenic.

Literature cited by the submitters: PubMed 16199547; PubMed 19105190; PubMed 20110243; PubMed 22154821; PubMed 26556829.

NM_025137.4(SPG11):c.6478-2A>G

Gene: SPG11 (SPG11 vesicle trafficking associated, spatacsin; minus strand). Cytogenetic location: 15q21.1.
Variant type: single nucleotide variant.
Coding change: c.6478-2A>G on transcript NM_025137.4 (MANE Select); the canonical splice acceptor site of the intron before coding-DNA position 6478, A replaced by G.
Molecular consequence: splice acceptor variant.
Genome position (GRCh38, 1-based): chr15:44,569,507, T>C on the plus strand (A>G on the coding strand, the complement: SPG11 is on the minus strand). VCF-style: chr15-44569507-T-C. GRCh37 (hg19) VCF-style: chr15-44861705-T-C.
Other names: c.6334-2A>G (NM_001411132.1); c.6139-2A>G (NM_001160227.2).
Identifiers: ClinVar variation 2713363 (VCV002713363.3), dbSNP rs2082374687, ClinGen allele CA392216142.